The following is an entry in ClinVar:

ClinVar aggregate classification (germline): Uncertain significance. Review status: criteria provided, multiple submitters, no conflicts (2 of 4 stars). 4 submissions from 4 submitters: Uncertain significance (4). Last evaluated 2024-12-07.

Conditions:
Familial thoracic aortic aneurysm and aortic dissection (TAAD). Also called: Thoracic aortic aneurysms and dissections. Identifiers: Orphanet 91387, MedGen C4707243, MONDO:0019625.
Aortic aneurysm, familial thoracic 7 (AAT7). Also called: AORTIC DISSECTION, FAMILIAL, WITH OR WITHOUT AORTIC ANEURYSM. Identifiers: MedGen C3151077, MONDO:0013418, OMIM 613780.

Allele frequency attached by ClinVar (database versions not stated): TOPMed 0.00002; ESP Exome Variant Server 0.00008.
gnomAD v4.1: 37 of 1,614,062 alleles (0.0023%); highest among the groups gnomAD compares: Middle Eastern, 0.16%; no homozygotes.

Submissions (4):

Labcorp Genetics (formerly Invitae), Labcorp
Classification: Uncertain significance for Aortic aneurysm, familial thoracic 7. Last evaluated: 2024-12-07. Review status: criteria provided, single submitter. Criteria: Invitae Variant Classification Sherloc (09022015). Collection method: clinical testing. Allele origin: germline.
Comment: This sequence change replaces lysine, which is basic and polar, with asparagine, which is neutral and polar, at codon 1804 of the MYLK protein (p.Lys1804Asn). This variant is present in population databases (rs139045748, gnomAD 0.01%). This variant has not been reported in the literature in individuals affected with MYLK-related conditions. ClinVar contains an entry for this variant (Variation ID: 252774). Invitae Evidence Modeling of protein sequence and biophysical properties (such as structural, functional, and spatial information, amino acid conservation, physicochemical variation, residue mobility, and thermodynamic stability) indicates that this missense variant is not expected to disrupt MYLK protein function with a negative predictive value of 80%. In summary, the available evidence is currently insufficient to determine the role of this variant in disease. Therefore, it has been classified as a Variant of Uncertain Significance.

GeneDx
Classification: Uncertain significance. Last evaluated: 2024-06-04. Review status: criteria provided, single submitter. Criteria: GeneDx Variant Classification Process June 2021. Collection method: clinical testing. Allele origin: germline.
Comment: Has not been previously published as pathogenic or benign to our knowledge; In silico analysis supports that this missense variant has a deleterious effect on protein structure/function

Ambry Genetics
Classification: Uncertain significance for Familial thoracic aortic aneurysm and aortic dissection. Last evaluated: 2024-05-03. Review status: criteria provided, single submitter. Criteria: Ambry Variant Classification Scheme 2023. Collection method: clinical testing. Allele origin: germline.
Comment: The p.K1804N variant (also known as c.5412G>T), located in coding exon 30 of the MYLK gene, results from a G to T substitution at nucleotide position 5412. The lysine at codon 1804 is replaced by asparagine, an amino acid with similar properties. This amino acid position is conserved. In addition, this alteration is predicted to be tolerated by in silico analysis. Since supporting evidence is limited at this time, the clinical significance of this alteration remains unclear.

Genomic Diagnostic Laboratory, Division of Genomic Diagnostics, Children's Hospital of Philadelphia
Classification: Uncertain significance. Last evaluated: 2015-07-27. Review status: criteria provided, single submitter. Criteria: DGD Variant Analysis Guidelines. Collection method: clinical testing. Allele origin: unknown.

NM_053025.4(MYLK):c.5412G>T (p.Lys1804Asn)

Genes: MYLK (myosin light chain kinase; minus strand), MYLK-AS1 (MYLK antisense RNA 1; plus strand). Cytogenetic location: 3q21.1.
Variant type: single nucleotide variant.
Coding change: c.5412G>T on transcript NM_053025.4 (MANE Select); coding-DNA position 5412, G replaced by T.
Protein change: p.Lys1804Asn; replaces lysine 1804 with asparagine.
Molecular consequence: missense variant.
Genome position (GRCh38, 1-based): chr3:123,618,727, C>A on the plus strand (G>T on the coding strand, the complement: MYLK is on the minus strand). VCF-style: chr3-123618727-C-A. GRCh37 (hg19) VCF-style: chr3-123337574-C-A.
Other names: c.4884G>T, p.Lys1628Asn (NM_001321309.2); c.5205G>T, p.Lys1735Asn (NM_053026.4); c.5259G>T, p.Lys1753Asn (NM_053027.4); c.5052G>T, p.Lys1684Asn (NM_053028.4); c.129G>T, p.Lys43Asn (NM_053031.4); c.132G>T, p.Lys44Asn (NM_053032.4); short protein forms K1804N, K1735N, K1628N, K1753N, K1684N, K43N, K44N.
Identifiers: ClinVar variation 252774 (VCV000252774.14), dbSNP rs139045748, ClinGen allele CA072941.
Genomic context (GRCh38, chr3:123,618,727, plus strand): 5'-ACTTCCCTCCACAACTTCTAAATCGCGAATGGTCTTAGAGAAATAGGGTTTTACATGAGG[C>A]TTTTCCTCAGCAACAGCCTCAAGGAAAGCTTGGGACACATCTTCTAGAAGACAGAGAAGA-3'
Protein context (NP_444253.3, residues 1794-1814): QAFLEAVAEE[Lys1804Asn]PHVKPYFSKT